The following is an entry in ClinVar:

NM_000702.4(ATP1A2):c.340G>A (p.Gly114Ser)

Gene: ATP1A2 (ATPase Na+/K+ transporting subunit alpha 2; plus strand). Cytogenetic location: 1q23.2.
Variant type: single nucleotide variant.
Coding change: c.340G>A on transcript NM_000702.4 (MANE Select); coding-DNA position 340, G replaced by A.
Protein change: p.Gly114Ser; replaces glycine 114 with serine.
Molecular consequence: missense variant.
Genome position (GRCh38, 1-based): chr1:160,123,375, G>A. VCF-style: chr1-160123375-G-A. GRCh37 (hg19) VCF-style: chr1-160093165-G-A.
Other names: p.G114S:GGC>AGC; short protein forms G114S.
Identifiers: ClinVar variation 128485 (VCV000128485.58), dbSNP rs116711766, ClinGen allele CA245148.
Genomic context (GRCh38, chr1:160,123,375, plus strand): 5'-CTTTTCGGGGGGTTCTCCATCCTGCTGTGGATTGGGGCTATCCTCTGCTTCCTGGCCTAC[G>A]GCATCCAGGCTGCCATGGAGGATGAACCATCCAACGACAATGTGAGCCCACACGCCCGAC-3'
Protein context (NP_000693.1, residues 104-124): IGAILCFLAY[Gly114Ser]IQAAMEDEPS

ClinVar aggregate classification (germline): Benign/Likely benign. Review status: criteria provided, multiple submitters, no conflicts (2 of 4 stars). 17 submissions from 13 submitters: Benign (9); Likely benign (8). Last evaluated 2026-06-17.

Conditions:
Alternating hemiplegia of childhood 1 (AHC1). Identifiers: Orphanet 2131, MedGen C3549447, MONDO:0007087, OMIM 104290.
Migraine, familial hemiplegic, 2. Identifiers: Orphanet 569, MedGen C1865322, MONDO:0011232, OMIM 602481.
Fetal akinesia, respiratory insufficiency, microcephaly, polymicrogyria, and dysmorphic facies. Identifiers: MedGen C5562015, MONDO:0859204, OMIM 619602.
Developmental and epileptic encephalopathy 98. Identifiers: MedGen C5562017, MONDO:0030472, OMIM 619605.
Inborn genetic diseases. Identifiers: MedGen C0950123, MeSH D030342.
Familial hemiplegic migraine. Identifiers: MedGen C0338484, MONDO:0000700.

Allele frequency attached by ClinVar (database versions not stated): ESP Exome Variant Server 0.00062; ExAC 0.00070; gnomAD 0.00071 and 0.00075; gnomAD exomes 0.00081 and 0.00082; TOPMed 0.00091; 1000 Genomes Project 0.00100; 1000 Genomes Project 30x 0.00125.

Submissions (17):

Women's Health and Genetics/Laboratory Corporation of America, LabCorp
Classification: Likely benign. Last evaluated: 2026-06-17. Review status: criteria provided, single submitter. Criteria: LabCorp Variant Classification Summary - May 2015. Collection method: clinical testing. Allele origin: germline.
Comment: Variant summary: ATP1A2 c.340G>A (p.Gly114Ser) results in a non-conservative amino acid change in the encoded protein sequence. Algorithms developed to predict the effect of missense changes on protein structure and function are either unavailable or do not agree on the potential impact of this missense change. The variant allele was found at a frequency of 0.00082 in 251448 control chromosomes, predominantly at a frequency of 0.00084 within the Non-Finnish European subpopulation in the gnomAD database. The observed variant frequency within Non-Finnish European control individuals in the gnomAD database exceeds the estimated maximal expected allele frequency for disease-causing variants in ATP1A2. To our knowledge, no occurrence of c.340G>A in individuals affected with ATP1A2-related conditions and no experimental evidence demonstrating its impact on protein function have been reported. ClinVar contains an entry for this variant (Variation ID: 128485). Based on the evidence outlined above, the variant was classified as likely benign.

Labcorp Genetics (formerly Invitae), Labcorp
Classification: Likely benign for Familial hemiplegic migraine. Last evaluated: 2025-12-21. Review status: criteria provided, single submitter. Criteria: Invitae Variant Classification Sherloc (09022015). Collection method: clinical testing. Allele origin: germline.

Athena Diagnostics
Classification: Benign. Last evaluated: 2025-09-08. Review status: criteria provided, single submitter. Criteria: Athena Diagnostics Criteria. Collection method: clinical testing. Allele origin: unknown.
Comment: The frequency of this variant in the general population is higher than would generally be expected for pathogenic variants in this gene. Computational tools predict this amino acid change may be benign.

CeGaT Center for Human Genetics Tuebingen
Classification: Likely benign. Last evaluated: 2025-08-01. Review status: criteria provided, single submitter. Criteria: CeGaT Center For Human Genetics Tuebingen Variant Classification Criteria Version 2. Collection method: clinical testing. Allele origin: germline. Affected: yes. Observed: 4 variant alleles.
Comment: ATP1A2: BS1

Mayo Clinic Laboratories, Mayo Clinic
Classification: Likely benign. Last evaluated: 2025-05-27. Review status: criteria provided, single submitter. Criteria: ACMG Guidelines, 2015. Collection method: clinical testing. Allele origin: germline. Observed: 3 variant alleles.
Comment: BS1, BP4

Genome-Nilou Lab
Classification: Benign for Alternating hemiplegia of childhood 1. Last evaluated: 2021-12-05. Review status: criteria provided, single submitter. Criteria: ACMG Guidelines, 2015. Collection method: clinical testing. Allele origin: germline. Affected: no.

Genome-Nilou Lab
Classification: Benign for Developmental and epileptic encephalopathy 98. Last evaluated: 2021-12-05. Review status: criteria provided, single submitter. Criteria: ACMG Guidelines, 2015. Collection method: clinical testing. Allele origin: germline. Affected: no.

Genome-Nilou Lab
Classification: Benign for Fetal akinesia, respiratory insufficiency, microcephaly, polymicrogyria, and dysmorphic facies. Last evaluated: 2021-12-05. Review status: criteria provided, single submitter. Criteria: ACMG Guidelines, 2015. Collection method: clinical testing. Allele origin: germline. Affected: no.

Genome-Nilou Lab
Classification: Benign for Migraine, familial hemiplegic, 2. Last evaluated: 2021-12-05. Review status: criteria provided, single submitter. Criteria: ACMG Guidelines, 2015. Collection method: clinical testing. Allele origin: germline. Affected: no.

Fulgent Genetics
Classification: Likely benign for Alternating hemiplegia of childhood 1; Migraine, familial hemiplegic, 2; Fetal akinesia, respiratory insufficiency, microcephaly, polymicrogyria, and dysmorphic facies; Developmental and epileptic encephalopathy 98. Last evaluated: 2021-07-14. Review status: criteria provided, single submitter. Criteria: ACMG Guidelines, 2015. Collection method: clinical testing. Allele origin: unknown.

GeneDx
Classification: Benign. Last evaluated: 2019-01-08. Review status: criteria provided, single submitter. Criteria: GeneDx Variant Classification Process June 2021. Collection method: clinical testing. Allele origin: germline. Affected: yes.

Illumina Laboratory Services, Illumina
Classification: Likely benign for Migraine, familial hemiplegic, 2. Last evaluated: 2018-01-12. Review status: criteria provided, single submitter. Criteria: ICSL Variant Classification Criteria 13 December 2019. Collection method: clinical testing. Allele origin: germline.
Comment: This variant was observed in the ICSL laboratory as part of a predisposition screen in an ostensibly healthy population. It had not been previously curated by ICSL or reported in the Human Gene Mutation Database (HGMD: prior to June 1st, 2018), and was therefore a candidate for classification through an automated scoring system. Utilizing variant allele frequency, disease prevalence and penetrance estimates, and inheritance mode, an automated score was calculated to assess if this variant is too frequent to cause the disease. Based on the score and internal cut-off values, a variant classified as likely benign is not then subjected to further curation. The score for this variant resulted in a classification of likely benign for this disease.

Illumina Laboratory Services, Illumina
Classification: Benign for Alternating hemiplegia of childhood 1. Last evaluated: 2018-01-12. Review status: criteria provided, single submitter. Criteria: ICSL Variant Classification Criteria 13 December 2019. Collection method: clinical testing. Allele origin: germline.
Comment: This variant was observed in the ICSL laboratory as part of a predisposition screen in an ostensibly healthy population. It had not been previously curated by ICSL or reported in the Human Gene Mutation Database (HGMD: prior to June 1st, 2018), and was therefore a candidate for classification through an automated scoring system. Utilizing variant allele frequency, disease prevalence and penetrance estimates, and inheritance mode, an automated score was calculated to assess if this variant is too frequent to cause the disease. Based on the score and internal cut-off values, a variant classified as benign is not then subjected to further curation. The score for this variant resulted in a classification of benign for this disease.

Eurofins Ntd Llc (ga)
Classification: Benign. Last evaluated: 2017-09-20. Review status: criteria provided, single submitter. Criteria: EGL Classification Definitions 2015. Collection method: clinical testing. Allele origin: germline. Observed: 2 variant alleles, 2 heterozygotes.

Center for Pediatric Genomic Medicine, Children's Mercy Hospital and Clinics
Classification: Likely benign. Last evaluated: 2017-06-02. Review status: criteria provided, single submitter. Criteria: ACMG Guidelines, 2015. Collection method: clinical testing. Allele origin: germline.

Ambry Genetics
Classification: Benign for Inborn genetic diseases. Last evaluated: 2016-08-05. Review status: criteria provided, single submitter. Criteria: Ambry Variant Classification Scheme 2023. Collection method: clinical testing. Allele origin: germline.

Genetic Services Laboratory, University of Chicago
Classification: Likely benign for AllHighlyPenetrant. Last evaluated: 2014-01-02. Review status: criteria provided, single submitter. Criteria: ACMG Guidelines, 2007. Collection method: clinical testing. Allele origin: germline. Inheritance: Autosomal dominant inheritance.

Literature cited by the submitters: PubMed 33126486 (cited by Athena Diagnostics and Mayo Clinic Laboratories, Mayo Clinic); PubMed 30523548 (cited by Mayo Clinic Laboratories, Mayo Clinic).